The following is an entry in ClinVar:

NM_152564.5(VPS13B):c.8920C>A (p.Leu2974Ile)

Gene: VPS13B (vacuolar protein sorting 13 homolog B; plus strand). Cytogenetic location: 8q22.2.
Variant type: single nucleotide variant.
Coding change: c.8920C>A on transcript NM_152564.5 (MANE Select); coding-DNA position 8920, C replaced by A.
Protein change: p.Leu2974Ile; replaces leucine 2974 with isoleucine.
Molecular consequence: missense variant.
Genome position (GRCh38, 1-based): chr8:99,820,048, C>A. VCF-style: chr8-99820048-C-A. GRCh37 (hg19) VCF-style: chr8-100832276-C-A.
Other names: c.8995C>A, p.Leu2999Ile (NM_017890.5); short protein forms L2999I, L2974I.
Identifiers: ClinVar variation 2851312 (VCV002851312.3), dbSNP rs2492016161, ClinGen allele CA371777183.
Genomic context (GRCh38, chr8:99,820,048, plus strand): 5'-AGAACTTTGTTGATAGAACTTCTGCCCTGGGCCCTGCTTATCAATGAATCCAAATGGGAC[C>A]TCTGGCTATTTGAAGGAGAGAAAATTGTTCTACAGGTTCCTGCTGGCAAAATTATTATTC-3'
Protein context (NP_689777.3, residues 2964-2984): ALLINESKWD[Leu2974Ile]WLFEGEKIVL

ClinVar aggregate classification (germline): Uncertain significance (1 of 4 stars; one submission).

Conditions:
Cohen syndrome (COH1). Also called: PEPPER SYNDROME; Cutis verticis gyrata, retinitis pigmentosa, and sensorineural deafness. Identifiers: Orphanet 193, MedGen C0265223, MONDO:0008999, OMIM 216550.

Submission:

Labcorp Genetics (formerly Invitae), Labcorp
Classification: Uncertain significance for Cohen syndrome. Last evaluated: 2023-05-30. Review status: criteria provided, single submitter. Criteria: Invitae Variant Classification Sherloc (09022015). Collection method: clinical testing. Allele origin: germline.
Comment: This sequence change replaces leucine, which is neutral and non-polar, with isoleucine, which is neutral and non-polar, at codon 2999 of the VPS13B protein (p.Leu2999Ile). This variant is not present in population databases (gnomAD no frequency). This variant has not been reported in the literature in individuals affected with VPS13B-related conditions. Advanced modeling of protein sequence and biophysical properties (such as structural, functional, and spatial information, amino acid conservation, physicochemical variation, residue mobility, and thermodynamic stability) performed at Invitae indicates that this missense variant is not expected to disrupt VPS13B protein function. In summary, the available evidence is currently insufficient to determine the role of this variant in disease. Therefore, it has been classified as a Variant of Uncertain Significance.